The following is an entry in ClinVar:

NM_182943.3(PLOD2):c.1069A>G (p.Ile357Val)

Gene: PLOD2 (procollagen-lysine,2-oxoglutarate 5-dioxygenase 2; minus strand). Cytogenetic location: 3q24.
Variant type: single nucleotide variant.
Coding change: c.1069A>G on transcript NM_182943.3 (MANE Select); coding-DNA position 1069, A replaced by G.
Protein change: p.Ile357Val; replaces isoleucine 357 with valine.
Molecular consequence: missense variant.
Genome position (GRCh38, 1-based): chr3:146,086,845, T>C on the plus strand (A>G on the coding strand, the complement: PLOD2 is on the minus strand). VCF-style: chr3-146086845-T-C. GRCh37 (hg19) VCF-style: chr3-145804632-T-C.
Other names: c.1069A>G, p.Ile357Val (NM_000935.3); short protein forms I357V.
Identifiers: ClinVar variation 1969893 (VCV001969893.5), dbSNP rs181836828, ClinGen allele CA2655033.
Genomic context (GRCh38, chr3:146,086,845, plus strand): 5'-ACATTCCCATGTTTCTGGCTTCCGCTTGACTTAGATTTTCTTCTGGTCCTACTATTTTTA[T>C]AGTTTTGATTTCATGCTTAGCTTTATCAAAAAATACCTTGATGTCCTTTTCATGATAAAC-3'
Protein context (NP_891988.1, residues 347-367): FDKAKHEIKT[Ile357Val]KIVGPEENLS

ClinVar aggregate classification (germline): Uncertain significance (1 of 4 stars; one submission).

Allele frequency attached by ClinVar (database versions not stated): gnomAD exomes below 0.00001; ExAC 0.00002; 1000 Genomes Project 30x 0.00016; 1000 Genomes Project 0.00020.
gnomAD v4.1: 5 of 1,534,786 alleles (0.00033%); highest among the groups gnomAD compares: Admixed American, 0.0018%; no homozygotes.

Submission:

Labcorp Genetics (formerly Invitae), Labcorp
Classification: Uncertain significance. Last evaluated: 2022-11-01. Review status: criteria provided, single submitter. Criteria: Invitae Variant Classification Sherloc (09022015). Collection method: clinical testing. Allele origin: germline.
Comment: In summary, the available evidence is currently insufficient to determine the role of this variant in disease. Therefore, it has been classified as a Variant of Uncertain Significance. Advanced modeling of protein sequence and biophysical properties (such as structural, functional, and spatial information, amino acid conservation, physicochemical variation, residue mobility, and thermodynamic stability) performed at Invitae indicates that this missense variant is not expected to disrupt PLOD2 protein function. This variant has not been reported in the literature in individuals affected with PLOD2-related conditions. This variant is present in population databases (rs181836828, gnomAD 0.008%). This sequence change replaces isoleucine, which is neutral and non-polar, with valine, which is neutral and non-polar, at codon 357 of the PLOD2 protein (p.Ile357Val).